The following is an entry in ClinVar:

ClinVar aggregate classification (germline): Uncertain significance (1 of 4 stars; one submission).

Conditions:
Alpha thalassemia-X-linked intellectual disability syndrome (ATRX). Also called: ALPHA-THALASSEMIA/MENTAL RETARDATION SYNDROME, X-LINKED; ATR, NONDELETION TYPE; ATR-X syndrome; Alpha thalassemia mental retardation syndrome, nondeletion type, X-linked; XLMR hypotonic face syndrome; X-linked alpha-thalassemia-mental retardation syndrome. Identifiers: Orphanet 847, MedGen C1845055, MONDO:0010519, OMIM 301040.

Submission:

Labcorp Genetics (formerly Invitae), Labcorp
Classification: Uncertain significance for Alpha thalassemia-X-linked intellectual disability syndrome. Last evaluated: 2023-02-22. Review status: criteria provided, single submitter. Criteria: Invitae Variant Classification Sherloc (09022015). Collection method: clinical testing. Allele origin: germline.
Comment: In summary, the available evidence is currently insufficient to determine the role of this variant in disease. Therefore, it has been classified as a Variant of Uncertain Significance. Advanced modeling of protein sequence and biophysical properties (such as structural, functional, and spatial information, amino acid conservation, physicochemical variation, residue mobility, and thermodynamic stability) performed at Invitae indicates that this missense variant is not expected to disrupt ATRX protein function. This sequence change replaces asparagine, which is neutral and polar, with histidine, which is basic and polar, at codon 1969 of the ATRX protein (p.Asn1969His). This variant is not present in population databases (gnomAD no frequency). This variant has not been reported in the literature in individuals affected with ATRX-related conditions.

NM_000489.6(ATRX):c.5905A>C (p.Asn1969His)

Gene: ATRX (ATRX chromatin remodeler; minus strand). Cytogenetic location: Xq21.1.
Variant type: single nucleotide variant.
Coding change: c.5905A>C on transcript NM_000489.6 (MANE Select); coding-DNA position 5905, A replaced by C.
Protein change: p.Asn1969His; replaces asparagine 1969 with histidine.
Molecular consequence: missense variant.
Genome position (GRCh38, 1-based): chrX:77,599,462, T>G on the plus strand (A>C on the coding strand, the complement: ATRX is on the minus strand). VCF-style: chrX-77599462-T-G. GRCh37 (hg19) VCF-style: chrX-76854931-T-G.
Other names: c.5791A>C, p.Asn1931His (NM_138270.5); short protein forms N1969H, N1931H.
Identifiers: ClinVar variation 2839700 (VCV002839700.3), dbSNP rs2521637592, ClinGen allele CA413697595.